The following is an entry in ClinVar:

ClinVar aggregate classification (germline): Conflicting classifications of pathogenicity. Review status: criteria provided, conflicting classifications (1 of 4 stars). 2 submissions from 2 submitters: Uncertain significance (1); Likely benign (1). Last evaluated 2025-06-05.

Allele frequency attached by ClinVar (database versions not stated): ExAC 0.00005; 1000 Genomes Project 30x 0.00031; gnomAD 0.00001 and 0.00002; gnomAD exomes 0.00006 and 0.00002; 1000 Genomes Project 0.00040; ESP Exome Variant Server 0.00015; TOPMed 0.00004.
gnomAD v4.1: 85 of 1,613,774 alleles (0.0053%); highest among the groups gnomAD compares: Non-Finnish European, 0.0064%; no homozygotes.

Submissions (2):

Mayo Clinic Laboratories, Mayo Clinic
Classification: Likely benign. Last evaluated: 2025-06-05. Review status: criteria provided, single submitter. Criteria: ACMG Guidelines, 2015. Collection method: clinical testing. Allele origin: germline. Observed: 1 variant allele.
Comment: BS2, BP1, BP4_moderate

ARUP Laboratories, Molecular Genetics and Genomics, ARUP Laboratories
Classification: Uncertain significance. Last evaluated: 2019-06-24. Review status: criteria provided, single submitter. Criteria: ARUP Molecular Germline Variant Investigation Process. Collection method: clinical testing. Allele origin: germline.
Comment: The NOTCH3 c.3725G>A; p.Arg1242His variant (rs146149484), to our knowledge, is not reported in the medical literature or gene specific databases. This variant is only observed on six alleles in the Genome Aggregation Database, indicating it is not a common polymorphism. The arginine at codon 1242 is highly conserved, but computational analyses (SIFT, PolyPhen-2) predict that this variant is tolerated. Most pathogenic NOTCH3 variants occur in exons 2-24 and either create or destroy a cysteine residue within an EGF-like domain (Rutten 2014). However, there are several amino acid substitutions not involving cysteine that may be disease-associated (Muino 2017). Although the p.Arg1242His variant does not involve a cysteine residue, due to its low population frequency and high conservation, its clinical significance is uncertain. References: Muino E et al. Systematic Review of Cysteine-Sparing NOTCH3 Missense Mutations in Patients with Clinical Suspicion of CADASIL. Int J Mol Sci. 2017 Sep 13;18(9). pii: E1964. Rutten JW et al. Interpretation of NOTCH3 mutations in the diagnosis of CADASIL. Expert Rev Mol Diagn. 2014 Jun;14(5):593-603.

Literature cited by the submitters: PubMed 15995828 (cited by Mayo Clinic Laboratories, Mayo Clinic); PubMed 37873835 (cited by Mayo Clinic Laboratories, Mayo Clinic).

NM_000435.3(NOTCH3):c.3725G>A (p.Arg1242His)

Gene: NOTCH3 (notch receptor 3; minus strand). Cytogenetic location: 19p13.12.
Variant type: single nucleotide variant.
Coding change: c.3725G>A on transcript NM_000435.3 (MANE Select); coding-DNA position 3725, G replaced by A.
Protein change: p.Arg1242His; replaces arginine 1242 with histidine.
Molecular consequence: missense variant.
Genome position (GRCh38, 1-based): chr19:15,178,935, C>T on the plus strand (G>A on the coding strand, the complement: NOTCH3 is on the minus strand). VCF-style: chr19-15178935-C-T. GRCh37 (hg19) VCF-style: chr19-15289746-C-T.
Other names: p.Arg1242His; short protein forms R1242H.
Identifiers: ClinVar variation 812075 (VCV000812075.9), dbSNP rs146149484, ClinGen allele CA9262985.
Genomic context (GRCh38, chr19:15,178,935, plus strand): 5'-CGGCACTGGCCTCCATGCTGGCATGGCTGGGACTCGCAGGGAGACAGGACAGTCTGACAG[C>T]GAGGACCTGAGCGAGCGGGAGCATGTAGATCAGCCACAATGGGGGAATGACAGGCGGGGT-3'
Protein context (NP_000426.2, residues 1232-1252): CLCHAGFSGP[Arg1242His]CQTVLSPCES